The following is an entry in ClinVar:

NM_005807.6(PRG4):c.531_535del (p.Thr178fs)

Gene: PRG4 (proteoglycan 4; plus strand). Cytogenetic location: 1q31.1.
Variant type: Deletion.
Coding change: c.531_535del on transcript NM_005807.6 (MANE Select); coding-DNA positions 531 to 535, 5 bases deleted (AACAA; older notation c.531_535delAACAA).
Protein change: p.Thr178fs; shifts the reading frame from threonine 178.
Molecular consequence: frameshift variant. On other transcripts: intron variant (3).
Genome position (GRCh38, 1-based): chr1:186,304,855-186,304,859, AACAA deleted. VCF-style (leftmost placement, unchanged base first): chr1-186304854-CAACAA-C. GRCh37 (hg19) VCF-style: chr1-186273986-CAACAA-C.
Other names: c.408_412del, p.Thr137fs (NM_001127708.3); c.469+598_469+602del (NM_001303232.2); c.320-1463_320-1459del (NM_001127709.3); c.197-1463_197-1459del (NM_001127710.3); short protein forms T137fs, T178fs.
Identifiers: ClinVar variation 3574703 (VCV003574703.3), dbSNP rs772404077.

ClinVar aggregate classification (germline): Conflicting classifications of pathogenicity. Review status: criteria provided, conflicting classifications (1 of 4 stars). 3 submissions from 3 submitters: Likely pathogenic (2); Uncertain significance (1). Last evaluated 2025-08-04.

Conditions:
Camptodactyly-arthropathy-coxa vara-pericarditis syndrome. Also called: FIBROSING SEROSITIS, FAMILIAL; JACOBS SYNDROME; PAC SYNDROME; Arthropathy camptodactyly syndrome; Pericarditis arthropathy camptodactyly syndrome; Congenital familial hypertrophic synovitis. Identifiers: Orphanet 2848, MedGen C1859690, MONDO:0008828, OMIM 208250.

Allele frequency attached by ClinVar (database versions not stated): TOPMed 0.00088 and 0.00079; gnomAD exomes 0.00023; ExAC 0.00029; ESP Exome Variant Server 0.00072; gnomAD 0.00081.

Submissions (3):

First Genomix Gene Laboratory, Genetic Diagnostics Department
Classification: Likely pathogenic for Camptodactyly-arthropathy-coxa vara-pericarditis syndrome. Last evaluated: 2025-08-04. Review status: criteria provided, single submitter. Criteria: ACMG Guidelines, 2015. Collection method: clinical testing. Allele origin: germline. Inheritance: Autosomal recessive inheritance. Affected: no. Observed: 1 variant allele.

Blueprint Genetics
Classification: Uncertain significance. Last evaluated: 2024-10-22. Review status: criteria provided, single submitter. Criteria: ACMG Guidelines, 2015. Collection method: clinical testing. Allele origin: germline.

Fulgent Genetics
Classification: Likely pathogenic for Camptodactyly-arthropathy-coxa vara-pericarditis syndrome. Last evaluated: 2024-01-05. Review status: criteria provided, single submitter. Criteria: ACMG Guidelines, 2015. Collection method: clinical testing. Allele origin: germline.